The following is an entry in ClinVar:

NM_000263.4(NAGLU):c.434G>A (p.Trp145Ter)

Gene: NAGLU (N-acetyl-alpha-glucosaminidase; plus strand). Cytogenetic location: 17q21.2.
Variant type: single nucleotide variant.
Coding change: c.434G>A on transcript NM_000263.4 (MANE Select); coding-DNA position 434, G replaced by A.
Protein change: p.Trp145Ter; replaces tryptophan 145 with a stop codon.
Molecular consequence: nonsense.
Genome position (GRCh38, 1-based): chr17:42,537,448, G>A. VCF-style: chr17-42537448-G-A. GRCh37 (hg19) VCF-style: chr17-40689466-G-A.
Other names: short protein forms W145*.
Identifiers: ClinVar variation 983994 (VCV000983994.3), dbSNP rs2092909726, ClinGen allele CA399598093.

ClinVar aggregate classification (germline): Likely pathogenic (1 of 4 stars; one submission).

Conditions:
Mucopolysaccharidosis, MPS-III-B (MPS3B). Also called: MPS IIIB (Sanfilippo Syndrome Type B); MUCOPOLYSACCHARIDOSIS, TYPE IIIB; Mucopolysaccharidosis type IIIB (Sanfilippo B); N-ACETYL-ALPHA-D-GLUCOSAMINIDASE DEFICIENCY; NAGLU DEFICIENCY; SANFILIPPO SYNDROME B. Identifiers: Orphanet 79270, MedGen C0086648, MONDO:0009656, OMIM 252920.

Submission:

Myriad Genetics, Inc.
Classification: Likely pathogenic for Mucopolysaccharidosis, MPS-III-B. Last evaluated: 2019-12-28. Review status: criteria provided, single submitter. Criteria: Myriad Women's Health Autosomal Recessive and X-Linked Classification Criteria (2019). Collection method: clinical testing. Allele origin: unknown.
Comment: NM_000263.3(NAGLU):c.434G>A(W145*) is expected to be pathogenic in the context of mucopolysaccharidosis type IIIB. This variant is predicted to lead to an abnormal or absent protein product due to the creation of a premature termination codon in NAGLU, a gene where loss-of-function variants are known to be pathogenic. Please note: this variant was assessed in the context of healthy population screening.